The following is an entry in ClinVar:

ClinVar aggregate classification (germline): Uncertain significance (1 of 4 stars; one submission).

Conditions:
Bardet-Biedl syndrome (BBS). Identifiers: Orphanet 110, MedGen C0752166, MONDO:0015229.

Submission:

Labcorp Genetics (formerly Invitae), Labcorp
Classification: Uncertain significance for Bardet-Biedl syndrome. Last evaluated: 2022-05-19. Review status: criteria provided, single submitter. Criteria: Invitae Variant Classification Sherloc (09022015). Collection method: clinical testing. Allele origin: germline.
Comment: This sequence change replaces aspartic acid, which is acidic and polar, with asparagine, which is neutral and polar, at codon 90 of the BBS2 protein (p.Asp90Asn). This variant is not present in population databases (gnomAD no frequency). This variant has not been reported in the literature in individuals affected with BBS2-related conditions. Algorithms developed to predict the effect of missense changes on protein structure and function are either unavailable or do not agree on the potential impact of this missense change (SIFT: "Deleterious"; PolyPhen-2: "Probably Damaging"; Align-GVGD: "Class C15"). In summary, the available evidence is currently insufficient to determine the role of this variant in disease. Therefore, it has been classified as a Variant of Uncertain Significance.

NM_031885.5(BBS2):c.268G>A (p.Asp90Asn)

Gene: BBS2 (Bardet-Biedl syndrome 2; minus strand). Cytogenetic location: 16q13.
Variant type: single nucleotide variant.
Coding change: c.268G>A on transcript NM_031885.5 (MANE Select); coding-DNA position 268, G replaced by A.
Protein change: p.Asp90Asn; replaces aspartic acid 90 with asparagine.
Molecular consequence: missense variant. On other transcripts: non-coding transcript variant (5).
Genome position (GRCh38, 1-based): chr16:56,514,530, C>T on the plus strand (G>A on the coding strand, the complement: BBS2 is on the minus strand). VCF-style: chr16-56514530-C-T. GRCh37 (hg19) VCF-style: chr16-56548442-C-T.
Other names: c.268G>A, p.Asp90Asn (NM_001377456.1); short protein forms D90N.
Identifiers: ClinVar variation 1981284 (VCV001981284.1), dbSNP rs2543741427, ClinGen allele CA395985683.